The following is an entry in ClinVar:

ClinVar aggregate classification (germline): Uncertain significance. Review status: criteria provided, multiple submitters, no conflicts (2 of 4 stars). 2 submissions from 2 submitters: Uncertain significance (2). Last evaluated 2024-04-10.

Conditions:
Cardiovascular phenotype. Identifiers: MedGen CN230736.

Allele frequency attached by ClinVar (database versions not stated): gnomAD exomes 0.00001.
gnomAD v4.1: 9 of 1,609,530 alleles (0.00056%); highest among the groups gnomAD compares: Non-Finnish European, 0.00076%; no homozygotes.

Submissions (2):

Labcorp Genetics (formerly Invitae), Labcorp
Classification: Uncertain significance. Last evaluated: 2024-04-10. Review status: criteria provided, single submitter. Criteria: Invitae Variant Classification Sherloc (09022015). Collection method: clinical testing. Allele origin: germline.
Comment: This sequence change replaces histidine, which is basic and polar, with arginine, which is basic and polar, at codon 337 of the ALPK3 protein (p.His337Arg). The frequency data for this variant in the population databases is considered unreliable, as metrics indicate poor data quality at this position in the gnomAD database. This variant has not been reported in the literature in individuals affected with ALPK3-related conditions. ClinVar contains an entry for this variant (Variation ID: 1799386). An algorithm developed to predict the effect of missense changes on protein structure and function (PolyPhen-2) suggests that this variant is likely to be disruptive. In summary, the available evidence is currently insufficient to determine the role of this variant in disease. Therefore, it has been classified as a Variant of Uncertain Significance.

Ambry Genetics
Classification: Uncertain significance for Cardiovascular phenotype. Last evaluated: 2020-01-03. Review status: criteria provided, single submitter. Criteria: Ambry Variant Classification Scheme 2023. Collection method: clinical testing. Allele origin: germline.
Comment: The p.H337R variant (also known as c.1010A>G), located in coding exon 4 of the ALPK3 gene, results from an A to G substitution at nucleotide position 1010. The histidine at codon 337 is replaced by arginine, an amino acid with highly similar properties. This amino acid position is highly conserved in available vertebrate species. In addition, the in silico prediction for this alteration is inconclusive. Since supporting evidence is limited at this time, the clinical significance of this alteration remains unclear.

NM_020778.5(ALPK3):c.404A>G (p.His135Arg)

Gene: ALPK3 (alpha kinase 3; plus strand). Cytogenetic location: 15q25.3.
Variant type: single nucleotide variant.
Coding change: c.404A>G on transcript NM_020778.5 (MANE Select); coding-DNA position 404, A replaced by G.
Protein change: p.His135Arg; replaces histidine 135 with arginine.
Molecular consequence: missense variant.
Genome position (GRCh38, 1-based): chr15:84,839,079, A>G. VCF-style: chr15-84839079-A-G. GRCh37 (hg19) VCF-style: chr15-85382310-A-G.
Other names: short protein forms H135R.
Identifiers: ClinVar variation 1799386 (VCV001799386.4), dbSNP rs1322297123, ClinGen allele CA14197014.
Genomic context (GRCh38, chr15:84,839,079, plus strand): 5'-CGGAGCTGGACCGCTACTGTGGCTTGCCAAAATATGAGATCACTCATCAGGGCAACCGCC[A>G]CACACTGCAGCTGTACAGGTGAGGGAGAAGGGCCTGTTTTGCTCTCTCTGCCCTCCCGAG-3'
Protein context (NP_065829.4, residues 125-145): KYEITHQGNR[His135Arg]TLQLYRCREE